The following is an entry in ClinVar:

NM_002890.3(RASA1):c.2603+2dup

Genes: CCNH (cyclin H; minus strand), RASA1 (RAS p21 protein activator 1; plus strand). Cytogenetic location: 5q14.3.
Variant type: Duplication.
Coding change: c.2603+2dup on transcript NM_002890.3 (MANE Select); the canonical splice donor site of the intron after coding-DNA position 2603, one base duplicated (T; older notation c.2603+2dupT).
Molecular consequence: splice donor variant. On other transcripts: intron variant (1).
Genome position (GRCh38, 1-based): chr5:87,379,852, T duplicated. VCF-style (leftmost placement, unchanged base first): chr5-87379851-G-GT. GRCh37 (hg19) VCF-style: chr5-86675668-G-GT.
Other names: c.2603+2dupT (NM_002890.2); c.2072+2dup (NM_022650.3); c.933+15192dup (NM_001364075.2).
Identifiers: ClinVar variation 640881 (VCV000640881.12), dbSNP rs1580394003, ClinGen allele CA915943410.

ClinVar aggregate classification (germline): Conflicting classifications of pathogenicity. Review status: criteria provided, conflicting classifications (1 of 4 stars). 2 submissions from 2 submitters: Likely pathogenic (1); Uncertain significance (1). Last evaluated 2024-10-25.

Conditions:
Capillary malformation-arteriovenous malformation syndrome. Also called: Capillary malformation-arteriovenous malformation. Identifiers: Orphanet 137667, MedGen C1842180, MONDO:0012016.
Basal cell carcinoma, susceptibility to, 1. Also called: BCC1. Identifiers: MedGen C2751544, MONDO:0011556, OMIM 605462.
Capillary malformation-arteriovenous malformation 1 (CMAVM1). Identifiers: Orphanet 137667, Orphanet 693907, MedGen C4747394, MONDO:0020783, OMIM 608354.

Submissions (2):

Labcorp Genetics (formerly Invitae), Labcorp
Classification: Likely pathogenic for Capillary malformation-arteriovenous malformation syndrome. Last evaluated: 2024-10-25. Review status: criteria provided, single submitter. Criteria: Invitae Variant Classification Sherloc (09022015). Collection method: clinical testing. Allele origin: germline.
Comment: This sequence change falls in intron 19 of the RASA1 gene. It does not directly change the encoded amino acid sequence of the RASA1 protein. It affects a nucleotide within the consensus splice site. This variant is not present in population databases (gnomAD no frequency). This variant has been observed in individuals with clinical features of capillary malformation-arteriovenous malformation (PMID: 18446851, 24038909, 29891884; internal data). This variant is also known as c.2603+2_2603+3insT. ClinVar contains an entry for this variant (Variation ID: 640881). Variants that disrupt the consensus splice site are a relatively common cause of aberrant splicing (PMID: 17576681, 9536098). Algorithms developed to predict the effect of sequence changes on RNA splicing suggest that this variant may disrupt the consensus splice site. In summary, the currently available evidence indicates that the variant is pathogenic, but additional data are needed to prove that conclusively. Therefore, this variant has been classified as Likely Pathogenic.

Juno Genomics, Hangzhou Juno Genomics, Inc
Classification: Uncertain significance for Basal cell carcinoma, susceptibility to, 1; Capillary malformation-arteriovenous malformation 1. Review status: criteria provided, single submitter. Criteria: ACMG Guidelines, 2015. Collection method: clinical testing. Allele origin: germline.
Comment: Absent from controls (or at extremely low frequency if recessive) in Genome Aggregation Database.;The prevalence of the variant in affected individuals is significantly increased compared to the prevalence in controls.

Literature cited by the submitters: PubMed 18446851 (cited by Labcorp Genetics (formerly Invitae), Labcorp); PubMed 24038909 (cited by Labcorp Genetics (formerly Invitae), Labcorp); PubMed 29891884 (cited by Labcorp Genetics (formerly Invitae), Labcorp); PubMed 17576681 (cited by Labcorp Genetics (formerly Invitae), Labcorp); PubMed 9536098 (cited by Labcorp Genetics (formerly Invitae), Labcorp).